The following is an entry in ClinVar:

NM_004560.4(ROR2):c.725G>A (p.Arg242His)

Gene: ROR2 (ROR family WNT receptor 2; minus strand). Cytogenetic location: 9q22.31.
Variant type: single nucleotide variant.
Coding change: c.725G>A on transcript NM_004560.4 (MANE Select); coding-DNA position 725, G replaced by A.
Protein change: p.Arg242His; replaces arginine 242 with histidine.
Molecular consequence: missense variant.
Genome position (GRCh38, 1-based): chr9:91,733,334, C>T on the plus strand (G>A on the coding strand, the complement: ROR2 is on the minus strand). VCF-style: chr9-91733334-C-T. GRCh37 (hg19) VCF-style: chr9-94495616-C-T.
Other names: c.725G>A (NM_004560.3); c.725G>A, p.Arg242His (NM_001318204.2); short protein forms R242H.
Identifiers: ClinVar variation 1017599 (VCV001017599.9), dbSNP rs756285939, ClinGen allele CA5120909.

ClinVar aggregate classification (germline): Uncertain significance. Review status: criteria provided, multiple submitters, no conflicts (2 of 4 stars). 2 submissions from 2 submitters: Uncertain significance (2). Last evaluated 2023-06-20.

Conditions:
ROR2-related disorder. Also called: ROR2-related disorders; ROR2-related condition.

Allele frequency attached by ClinVar (database versions not stated): gnomAD exomes below 0.00001 and 0.00001; ExAC 0.00001; TOPMed 0.00002.
gnomAD v4.1: 11 of 1,612,196 alleles (0.00068%); highest among the groups gnomAD compares: African/African-American, 0.0013%; no homozygotes.

Submissions (2):

PreventionGenetics, part of Exact Sciences
Classification: Uncertain significance for ROR2-related condition. Last evaluated: 2023-06-20. Review status: criteria provided, single submitter. Criteria: ACMG Guidelines, 2015. Collection method: clinical testing. Allele origin: germline.
Comment: The ROR2 c.725G>A variant is predicted to result in the amino acid substitution p.Arg242His. To our knowledge, this variant has not been reported in the literature. This variant is reported in 0.0016% of alleles in individuals of European (Non-Finnish) descent in gnomAD. At this time, the clinical significance of this variant is uncertain due to the absence of conclusive functional and genetic evidence.

Labcorp Genetics (formerly Invitae), Labcorp
Classification: Uncertain significance. Last evaluated: 2022-10-03. Review status: criteria provided, single submitter. Criteria: Invitae Variant Classification Sherloc (09022015). Collection method: clinical testing. Allele origin: germline.
Comment: In summary, the available evidence is currently insufficient to determine the role of this variant in disease. Therefore, it has been classified as a Variant of Uncertain Significance. Advanced modeling of protein sequence and biophysical properties (such as structural, functional, and spatial information, amino acid conservation, physicochemical variation, residue mobility, and thermodynamic stability) performed at Invitae indicates that this missense variant is not expected to disrupt ROR2 protein function. ClinVar contains an entry for this variant (Variation ID: 1017599). This variant has not been reported in the literature in individuals affected with ROR2-related conditions. The frequency data for this variant in the population databases is considered unreliable, as metrics indicate poor data quality at this position in the gnomAD database. This sequence change replaces arginine, which is basic and polar, with histidine, which is basic and polar, at codon 242 of the ROR2 protein (p.Arg242His).